The following is an entry in ClinVar:

ClinVar aggregate classification (germline): Conflicting classifications of pathogenicity. Review status: criteria provided, conflicting classifications (1 of 4 stars). 2 submissions from 2 submitters: Uncertain significance (1); Likely benign (1). Last evaluated 2026-06-16.

Conditions:
Cardiovascular phenotype. Identifiers: MedGen CN230736.
RASopathy. Also called: rasopathies; Noonan spectrum disorder. Identifiers: Orphanet 536391, MedGen C5555857, MONDO:0021060.

Allele frequency attached by ClinVar (database versions not stated): gnomAD exomes below 0.00001; gnomAD 0.00001.
gnomAD v4.1: 2 of 1,614,188 alleles (0.00012%); highest among the groups gnomAD compares: East Asian, 0.0045%; no homozygotes.

Submissions (2):

Ambry Genetics
Classification: Uncertain significance for Cardiovascular phenotype. Last evaluated: 2026-06-16. Review status: criteria provided, single submitter. Criteria: Ambry Variant Classification Scheme 2023. Collection method: clinical testing. Allele origin: germline.
Comment: The p.P621L variant (also known as c.1862C>T), located in coding exon 11 of the CBL gene, results from a C to T substitution at nucleotide position 1862. The proline at codon 621 is replaced by leucine, an amino acid with similar properties. This amino acid position is conserved. In addition, the in silico prediction for this alteration is inconclusive. Based on the available evidence, the clinical significance of this variant remains unclear.

Labcorp Genetics (formerly Invitae), Labcorp
Classification: Likely benign for RASopathy. Last evaluated: 2024-01-02. Review status: criteria provided, single submitter. Criteria: Invitae Variant Classification Sherloc (09022015). Collection method: clinical testing. Allele origin: germline.

NM_005188.4(CBL):c.1862C>T (p.Pro621Leu)

Gene: CBL (Cbl proto-oncogene; plus strand). Cytogenetic location: 11q23.3.
Variant type: single nucleotide variant.
Coding change: c.1862C>T on transcript NM_005188.4 (MANE Select); coding-DNA position 1862, C replaced by T.
Protein change: p.Pro621Leu; replaces proline 621 with leucine.
Molecular consequence: missense variant.
Genome position (GRCh38, 1-based): chr11:119,285,487, C>T. VCF-style: chr11-119285487-C-T. GRCh37 (hg19) VCF-style: chr11-119156197-C-T.
Other names: c.1862C>T (NM_005188.2); short protein forms P621L.
Identifiers: ClinVar variation 835231 (VCV000835231.10), dbSNP rs1334315007, ClinGen allele CA382920702.
Genomic context (GRCh38, chr11:119,285,487, plus strand): 5'-CTGCCCCAAGTTCCAGTGATCCCTGGACAGGAAGAGAATTAACCAACCGGCACTCACTTC[C>T]ATTTTCATTGCCCTCACAAATGGAGCCCAGACCAGATGTGCCTAGGCTCGGAAGCACGTT-3'
Protein context (NP_005179.2, residues 611-631): GRELTNRHSL[Pro621Leu]FSLPSQMEPR